The following is an entry in ClinVar:

ClinVar aggregate classification (germline): Uncertain significance (1 of 4 stars; one submission).

Allele frequency attached by ClinVar (database versions not stated): gnomAD exomes 0.00001.
gnomAD v4.1: 7 of 1,202,222 alleles (0.00058%); highest among the groups gnomAD compares: South Asian, 0.009%; no homozygotes.

Submission:

Labcorp Genetics (formerly Invitae), Labcorp
Classification: Uncertain significance. Last evaluated: 2025-06-01. Review status: criteria provided, single submitter. Criteria: Invitae Variant Classification Sherloc (09022015). Collection method: clinical testing. Allele origin: germline.
Comment: This sequence change replaces methionine, which is neutral and non-polar, with valine, which is neutral and non-polar, at codon 35 of the NEXMIF protein (p.Met35Val). This variant is not present in population databases (gnomAD no frequency). This variant has not been reported in the literature in individuals affected with NEXMIF-related conditions. ClinVar contains an entry for this variant (Variation ID: 2009471). An algorithm developed to predict the effect of missense changes on protein structure and function outputs the following: PolyPhen-2: "Benign". The valine amino acid residue is found in multiple mammalian species, which suggests that this missense change does not adversely affect protein function. In summary, the available evidence is currently insufficient to determine the role of this variant in disease. Therefore, it has been classified as a Variant of Uncertain Significance.

NM_001008537.3(NEXMIF):c.103A>G (p.Met35Val)

Gene: NEXMIF (neurite extension and migration factor; minus strand). Cytogenetic location: Xq13.3.
Variant type: single nucleotide variant.
Coding change: c.103A>G on transcript NM_001008537.3 (MANE Select); coding-DNA position 103, A replaced by G.
Protein change: p.Met35Val; replaces methionine 35 with valine.
Molecular consequence: missense variant.
Genome position (GRCh38, 1-based): chrX:74,744,454, T>C on the plus strand (A>G on the coding strand, the complement: NEXMIF is on the minus strand). VCF-style: chrX-74744454-T-C. GRCh37 (hg19) VCF-style: chrX-73964289-T-C.
Other names: short protein forms M35V.
Identifiers: ClinVar variation 2009471 (VCV002009471.4), dbSNP rs2080119357, ClinGen allele CA413674310.